The following is an entry in ClinVar:

ClinVar aggregate classification (germline): Conflicting classifications of pathogenicity. Review status: criteria provided, conflicting classifications (1 of 4 stars). 2 submissions from 2 submitters: Likely pathogenic (1); Uncertain significance (1). Last evaluated 2024-11-11.

Conditions:
Adenylosuccinate lyase deficiency (ADSLD). Also called: ADSL DEFICIENCY. Identifiers: Orphanet 46, MedGen C0268126, MONDO:0007068, OMIM 103050.

Allele frequency attached by ClinVar (database versions not stated): TOPMed below 0.00001.
gnomAD v4.1: 4 of 1,614,042 alleles (0.00025%); highest among the groups gnomAD compares: East Asian, 0.0022%; no homozygotes.

Submissions (2):

Labcorp Genetics (formerly Invitae), Labcorp
Classification: Likely pathogenic for Adenylosuccinate lyase deficiency. Last evaluated: 2024-11-11. Review status: criteria provided, single submitter. Criteria: Invitae Variant Classification Sherloc (09022015). Collection method: clinical testing. Allele origin: germline.
Comment: This sequence change replaces arginine, which is basic and polar, with proline, which is neutral and non-polar, at codon 141 of the ADSL protein (p.Arg141Pro). This variant is not present in population databases (gnomAD no frequency). This variant has not been reported in the literature in individuals affected with ADSL-related conditions. ClinVar contains an entry for this variant (Variation ID: 1003470). Invitae Evidence Modeling of protein sequence and biophysical properties (such as structural, functional, and spatial information, amino acid conservation, physicochemical variation, residue mobility, and thermodynamic stability) indicates that this missense variant is expected to disrupt ADSL protein function with a positive predictive value of 80%. This variant disrupts the p.Arg141 amino acid residue in ADSL. Other variant(s) that disrupt this residue have been determined to be pathogenic (PMID: 10090474, 10958654). This suggests that this residue is clinically significant, and that variants that disrupt this residue are likely to be disease-causing. In summary, the currently available evidence indicates that the variant is pathogenic, but additional data are needed to prove that conclusively. Therefore, this variant has been classified as Likely Pathogenic.

Blueprint Genetics
Classification: Uncertain significance. Last evaluated: 2018-08-09. Review status: criteria provided, single submitter. Criteria: ACMG Guidelines, 2015. Collection method: clinical testing. Allele origin: germline.

Literature cited by the submitters: PubMed 10090474 (cited by Labcorp Genetics (formerly Invitae), Labcorp); PubMed 10958654 (cited by Labcorp Genetics (formerly Invitae), Labcorp).

NM_000026.4(ADSL):c.422G>C (p.Arg141Pro)

Gene: ADSL (adenylosuccinate lyase; plus strand). Cytogenetic location: 22q13.1.
Variant type: single nucleotide variant.
Coding change: c.422G>C on transcript NM_000026.4 (MANE Select); coding-DNA position 422, G replaced by C.
Protein change: p.Arg141Pro; replaces arginine 141 with proline.
Molecular consequence: missense variant. On other transcripts: non-coding transcript variant (1).
Genome position (GRCh38, 1-based): chr22:40,354,267, G>C. VCF-style: chr22-40354267-G-C. GRCh37 (hg19) VCF-style: chr22-40750271-G-C.
Other names: c.422G>C, p.Arg141Pro (NM_001123378.3, NM_001363840.3); c.230G>C, p.Arg77Pro (NM_001317923.2); short protein forms R141P, R77P.
Identifiers: ClinVar variation 1003470 (VCV001003470.7), dbSNP rs563054392, ClinGen allele CA411638891.